The following is an entry in ClinVar:

ClinVar aggregate classification (germline): Benign. Review status: criteria provided, multiple submitters, no conflicts (2 of 4 stars). 9 submissions from 8 submitters: Benign (7). 2 of the submissions do not count toward it. Last evaluated 2026-02-04.

Conditions:
Optic atrophy 9 (OPA9). Identifiers: MedGen C4225384, MONDO:0014571, OMIM 616289.
Infantile cerebellar-retinal degeneration (ICRD). Identifiers: Orphanet 313850, MedGen C3281192, MONDO:0013802, OMIM 614559.

Allele frequency attached by ClinVar (database versions not stated): 1000 Genomes Project 30x 0.26343; 1000 Genomes Project 0.27037; TOPMed 0.34220; gnomAD 0.36650 and 0.36742; ESP Exome Variant Server 0.38375; gnomAD exomes 0.39018 and 0.47420; ExAC 0.39927.

Submissions (9):

Labcorp Genetics (formerly Invitae), Labcorp
Classification: Benign. Last evaluated: 2026-02-04. Review status: criteria provided, single submitter. Criteria: Invitae Variant Classification Sherloc (09022015). Collection method: clinical testing. Allele origin: germline.

Blueprint Genetics
Classification: Benign. Last evaluated: 2024-11-28. Review status: criteria provided, single submitter. Criteria: ACMG Guidelines, 2015. Collection method: clinical testing. Allele origin: germline.

Genome-Nilou Lab
Classification: Benign for Optic atrophy 9. Last evaluated: 2021-07-14. Review status: criteria provided, single submitter. Criteria: ACMG Guidelines, 2015. Collection method: clinical testing. Allele origin: germline. Affected: no.

Genome-Nilou Lab
Classification: Benign for Infantile cerebellar-retinal degeneration. Last evaluated: 2021-07-14. Review status: criteria provided, single submitter. Criteria: ACMG Guidelines, 2015. Collection method: clinical testing. Allele origin: germline. Affected: no.

GeneDx
Classification: Benign. Last evaluated: 2013-09-09. Review status: criteria provided, single submitter. Criteria: GeneDx Variant Classification (06012015). Collection method: clinical testing. Allele origin: germline. Affected: yes.
Comment: This variant is considered likely benign or benign based on one or more of the following criteria: it is a conservative change, it occurs at a poorly conserved position in the protein, it is predicted to be benign by multiple in silico algorithms, and/or has population frequency not consistent with disease.

Breakthrough Genomics
Classification: Benign. Review status: criteria provided, single submitter. Criteria: ACMG Guidelines, 2015. Collection method: not provided. Allele origin: germline. Inheritance: Autosomal recessive inheritance. Affected: yes.

PreventionGenetics, part of Exact Sciences
Classification: Benign. Review status: criteria provided, single submitter. Criteria: ACMG Guidelines, 2015. Collection method: clinical testing. Allele origin: germline.

Mayo Clinic Laboratories, Mayo Clinic
Classification: Benign. Last evaluated: 2016-02-11. Review status: no assertion criteria provided. Collection method: clinical testing. Allele origin: unknown. Not counted in ClinVar's aggregate classification.

Genetic Services Laboratory, University of Chicago
Classification: Likely benign for AllHighlyPenetrant. Review status: no assertion criteria provided. Collection method: clinical testing. Allele origin: germline. Inheritance: Autosomal recessive inheritance. Not counted in ClinVar's aggregate classification.
Comment: Likely benign based on allele frequency in 1000 Genomes Project or ESP global frequency and its presence in a patient with a rare or unrelated disease phenotype. NOT Sanger confirmed.

NM_001098.3(ACO2):c.670C>T (p.Leu224=)

Gene: ACO2 (aconitase 2; plus strand). Cytogenetic location: 22q13.2.
Variant type: single nucleotide variant.
Coding change: c.670C>T on transcript NM_001098.3 (MANE Select); coding-DNA position 670, C replaced by T.
Protein change: p.Leu224=; no amino-acid change (leucine 224 retained).
Molecular consequence: synonymous variant.
Genome position (GRCh38, 1-based): chr22:41,515,521, C>T. VCF-style: chr22-41515521-C-T. GRCh37 (hg19) VCF-style: chr22-41911525-C-T.
Other names: p.L224L:CTG>TTG.
Identifiers: ClinVar variation 128257 (VCV000128257.23), dbSNP rs1799932, ClinGen allele CA288664.
Genomic context (GRCh38, chr22:41,515,521, plus strand): 5'-ATCTGCATTGGAGTTGGGGGTGCCGATGCTGTGGATGTCATGGCTGGGATCCCCTGGGAG[C>T]TGAAGTGCCCCAAGGTGAGGGTGGGGAGGGACTCATTCTGGGCTGGCTGTGGGGTGGTGG-3'
Protein context (NP_001089.1, residues 214-234): VDVMAGIPWE[Leu224=]KCPKVIGVKL